The following is an entry in ClinVar:

ClinVar aggregate classification (germline): Likely pathogenic (0 of 4 stars; one submission).

Conditions:
ATM-related disorder. Also called: ATM-related disorders; ATM-related condition.

Submission:

PreventionGenetics, part of Exact Sciences
Classification: Likely pathogenic for ATM-related condition. Last evaluated: 2024-07-07. Review status: no assertion criteria provided. Collection method: clinical testing. Allele origin: germline.
Comment: The ATM c.331+1G>T variant is predicted to disrupt the GT donor site and interfere with normal splicing. This variant is predicted to disrupt the donor splice site; however, this is based on computational modeling and this variant has not been functionally validated (SpliceAI, Jaganathan et al. 2019. PubMed ID: 30661751). To our knowledge, this variant has not been reported in the literature or in a large population database, indicating this variant is rare. Other variants affecting the same consensus splice donor site in ATM (c.331+1G>A, c.331+2T>G) have been reported in the compound heterozygous state in individuals with ataxia telangiectasia (Table 2, Cavalieri et al. 2008. PubMed ID: 17910737; Table 3, Mandola AB et al. 2019. PubMed ID: 31921190). Given the evidence, we interpret this variant as likely pathogenic.

NM_000051.4(ATM):c.331+1G>T

Gene: ATM (ATM serine/threonine kinase; plus strand). Cytogenetic location: 11q22.3.
Variant type: single nucleotide variant.
Coding change: c.331+1G>T on transcript NM_000051.4 (MANE Select); the canonical splice donor site of the intron after coding-DNA position 331, G replaced by T.
Molecular consequence: splice donor variant. On other transcripts: missense variant (2).
Genome position (GRCh38, 1-based): chr11:108,229,324, G>T. VCF-style: chr11-108229324-G-T. GRCh37 (hg19) VCF-style: chr11-108100051-G-T.
Other names: c.332G>T, p.Ser111Ile (NM_001351835.2, NM_001351836.2); c.331+1G>T (NM_001351834.2); short protein forms S111I.
Identifiers: ClinVar variation 3349804 (VCV003349804.1).